The following is an entry in ClinVar:

NM_004984.4(KIF5A):c.2152C>G (p.Arg718Gly)

Gene: KIF5A (kinesin family member 5A; plus strand). Cytogenetic location: 12q13.3.
Variant type: single nucleotide variant.
Coding change: c.2152C>G on transcript NM_004984.4 (MANE Select); coding-DNA position 2152, C replaced by G.
Protein change: p.Arg718Gly; replaces arginine 718 with glycine.
Molecular consequence: missense variant.
Genome position (GRCh38, 1-based): chr12:57,576,332, C>G. VCF-style: chr12-57576332-C-G. GRCh37 (hg19) VCF-style: chr12-57970115-C-G.
Other names: c.1885C>G, p.Arg629Gly (NM_001354705.2); short protein forms R629G, R718G.
Identifiers: ClinVar variation 3691375 (VCV003691375.2).
Genomic context (GRCh38, chr12:57,576,332, plus strand): 5'-GCTCTGGAGCTGCAGATGGAGAGTCACCGGGAGGCCCATCACCGGCAGCTGGCCCGGCTC[C>G]GGGACGAGATCAACGAGAAGCAGAAGACCATTGATGAGCTCAAAGAGTAAGGGTTCCCAA-3'
Protein context (NP_004975.2, residues 708-728): EAHHRQLARL[Arg718Gly]DEINEKQKTI

ClinVar aggregate classification (germline): Uncertain significance (1 of 4 stars; one submission).

Conditions:
Spastic paraplegia. Identifiers: MedGen C0037772, HP:0001258.

Submission:

Labcorp Genetics (formerly Invitae), Labcorp
Classification: Uncertain significance for Spastic paraplegia. Last evaluated: 2024-11-04. Review status: criteria provided, single submitter. Criteria: Invitae Variant Classification Sherloc (09022015). Collection method: clinical testing. Allele origin: germline.
Comment: This sequence change replaces arginine, which is basic and polar, with glycine, which is neutral and non-polar, at codon 718 of the KIF5A protein (p.Arg718Gly). This variant is not present in population databases (gnomAD no frequency). This variant has not been reported in the literature in individuals affected with KIF5A-related conditions. Invitae Evidence Modeling of protein sequence and biophysical properties (such as structural, functional, and spatial information, amino acid conservation, physicochemical variation, residue mobility, and thermodynamic stability) has been performed for this missense variant. However, the output from this modeling did not meet the statistical confidence thresholds required to predict the impact of this variant on KIF5A protein function. In summary, the available evidence is currently insufficient to determine the role of this variant in disease. Therefore, it has been classified as a Variant of Uncertain Significance.